The following is an entry in ClinVar:

ClinVar aggregate classification (germline): Uncertain significance. Review status: criteria provided, multiple submitters, no conflicts (2 of 4 stars). 2 submissions from 2 submitters: Uncertain significance (2). Last evaluated 2026-04-13.

Conditions:
MASTL-related disorder. Also called: MASTL-related condition.

Allele frequency attached by ClinVar (database versions not stated): gnomAD exomes 0.00002; ExAC 0.00004; gnomAD 0.00010; TOPMed 0.00014; 1000 Genomes Project 30x 0.00016; 1000 Genomes Project 0.00020.
gnomAD v4.1: 40 of 1,614,004 alleles (0.0025%); highest among the groups gnomAD compares: Admixed American, 0.062%; no homozygotes.

Submissions (2):

PreventionGenetics, part of Exact Sciences
Classification: Uncertain significance for MASTL-related condition. Last evaluated: 2026-04-13. Review status: criteria provided, single submitter. Criteria: ACMG Guidelines, 2015. Collection method: clinical testing. Allele origin: germline.
Comment: The MASTL c.1528G>A variant is predicted to result in the amino acid substitution p.Val510Ile. To our knowledge, this variant has not been reported in the literature. This variant is reported in 0.046% of alleles in individuals of Latino descent in gnomAD. At this time, the clinical significance of this variant is uncertain due to the absence of conclusive functional and genetic evidence.

Ambry Genetics
Classification: Uncertain significance. Last evaluated: 2024-10-16. Review status: criteria provided, single submitter. Criteria: Ambry Variant Classification Scheme 2023. Collection method: clinical testing. Allele origin: germline.

NM_001172303.3(MASTL):c.1528G>A (p.Val510Ile)

Gene: MASTL (microtubule associated serine/threonine kinase like; plus strand). Cytogenetic location: 10p12.1.
Variant type: single nucleotide variant.
Coding change: c.1528G>A on transcript NM_001172303.3 (MANE Select); coding-DNA position 1528, G replaced by A.
Protein change: p.Val510Ile; replaces valine 510 with isoleucine.
Molecular consequence: missense variant. On other transcripts: non-coding transcript variant (1).
Genome position (GRCh38, 1-based): chr10:27,170,487, G>A. VCF-style: chr10-27170487-G-A. GRCh37 (hg19) VCF-style: chr10-27459416-G-A.
Other names: c.1528G>A, p.Val510Ile (NM_001172304.3, NM_001320756.2, NM_001320757.2 and 1 more transcripts); c.1045G>A, p.Val349Ile (NM_001372029.1, NM_001372030.1); c.1528G>A (NM_032844.4); short protein forms V349I, V510I.
Identifiers: ClinVar variation 2384622 (VCV002384622.4), dbSNP rs183157467, ClinGen allele CA5450237.